The following is an entry in ClinVar:

NM_000238.4(KCNH2):c.103C>T (p.Arg35Trp)

Gene: KCNH2 (potassium voltage-gated channel subfamily H member 2; minus strand). Cytogenetic location: 7q36.1.
Variant type: single nucleotide variant.
Coding change: c.103C>T on transcript NM_000238.4 (MANE Select); coding-DNA position 103, C replaced by T.
Protein change: p.Arg35Trp; replaces arginine 35 with tryptophan.
Molecular consequence: missense variant.
Genome position (GRCh38, 1-based): chr7:150,974,915, G>A on the plus strand (C>T on the coding strand, the complement: KCNH2 is on the minus strand). VCF-style: chr7-150974915-G-A. GRCh37 (hg19) VCF-style: chr7-150672003-G-A.
Other names: c.-75C>T (NM_001406755.1); c.103C>T, p.Arg35Trp (NM_172056.3); short protein forms R35W.
Identifiers: ClinVar variation 1403795 (VCV001403795.10), dbSNP rs2117063783, ClinGen allele CA369865959.
Genomic context (GRCh38, chr7:150,974,915, plus strand): 5'-AGTAGCCGCACAGCTCGCAGAAGCCGTCGTTGCAGTAGATGACGGCGCAGTTCTCCACCC[G>A]AGCGTTGGCGATGATGAACTTACGGCCTAGGGGGGCGGGGAGGAGAGTGCGCGTGAGCGG-3'
Protein context (NP_000229.1, residues 25-45): QSRKFIIANA[Arg35Trp]VENCAVIYCN

ClinVar aggregate classification (germline): Conflicting classifications of pathogenicity. Review status: criteria provided, conflicting classifications (1 of 4 stars). 2 submissions from 2 submitters: Likely pathogenic (1); Uncertain significance (1). Last evaluated 2021-07-28.

Conditions:
KCNH2-related disorder. Also called: KCNH2-related disorders; KCNH2-related condition.
Long QT syndrome (LQTS). Identifiers: MedGen C0023976, MeSH D008133, MONDO:0002442. Disease mechanism: loss of function. Inheritance: Various modes of inheritance.

Submissions (2):

Blueprint Genetics
Classification: Likely pathogenic for KCNH2-related disorders. Last evaluated: 2021-07-28. Review status: criteria provided, single submitter. Criteria: ACMG Guidelines, 2015. Collection method: clinical testing. Allele origin: germline. Affected: yes. Observed: 2 variant alleles.

Labcorp Genetics (formerly Invitae), Labcorp
Classification: Uncertain significance for Long QT syndrome. Last evaluated: 2020-12-03. Review status: criteria provided, single submitter. Criteria: Invitae Variant Classification Sherloc (09022015). Collection method: clinical testing. Allele origin: germline.
Comment: In summary, the available evidence is currently insufficient to determine the role of this variant in disease. Therefore, it has been classified as a Variant of Uncertain Significance. Experimental studies have shown that this variant affects KCNH2 protein function (PMID: 26066609). This variant has been observed in individual(s) with long QT syndrome (PMID: 26066609). This variant is not present in population databases (ExAC no frequency). This sequence change replaces arginine with tryptophan at codon 35 of the KCNH2 protein (p.Arg35Trp). The arginine residue is weakly conserved and there is a moderate physicochemical difference between arginine and tryptophan.

Literature cited by the submitters: PubMed 26066609 (cited by Labcorp Genetics (formerly Invitae), Labcorp).